The following is an entry in ClinVar:

NM_001378452.1(ITPR1):c.2188G>A (p.Val730Ile)

Gene: ITPR1 (inositol 1,4,5-trisphosphate receptor type 1; plus strand). Cytogenetic location: 3p26.1.
Variant type: single nucleotide variant.
Coding change: c.2188G>A on transcript NM_001378452.1 (MANE Select); coding-DNA position 2188, G replaced by A.
Protein change: p.Val730Ile; replaces valine 730 with isoleucine.
Molecular consequence: missense variant.
Genome position (GRCh38, 1-based): chr3:4,670,910, G>A. VCF-style: chr3-4670910-G-A. GRCh37 (hg19) VCF-style: chr3-4712594-G-A.
Other names: c.2143G>A (NM_002222.6); c.2188G>A, p.Val730Ile (NM_001099952.4); c.2143G>A, p.Val715Ile (NM_001168272.2, NM_002222.7); short protein forms V715I, V730I.
Identifiers: ClinVar variation 1256603 (VCV001256603.9), dbSNP rs370701686, ClinGen allele CA2231357.

ClinVar aggregate classification (germline): Uncertain significance. Review status: criteria provided, multiple submitters, no conflicts (2 of 4 stars). 4 submissions from 4 submitters: Uncertain significance (4). Last evaluated 2024-02-01.

Allele frequency attached by ClinVar (database versions not stated): gnomAD 0.00006 and 0.00007; gnomAD exomes 0.00006 and 0.00007; TOPMed 0.00006; ESP Exome Variant Server 0.00008; ExAC 0.00009; 1000 Genomes Project 0.00040; 1000 Genomes Project 30x 0.00047.
gnomAD v4.1: 101 of 1,589,462 alleles (0.0064%); highest among the groups gnomAD compares: South Asian, 0.014%; no homozygotes.

Submissions (4):

Labcorp Genetics (formerly Invitae), Labcorp
Classification: Uncertain significance. Last evaluated: 2024-02-01. Review status: criteria provided, single submitter. Criteria: Invitae Variant Classification Sherloc (09022015). Collection method: clinical testing. Allele origin: germline.
Comment: This sequence change replaces valine, which is neutral and non-polar, with isoleucine, which is neutral and non-polar, at codon 715 of the ITPR1 protein (p.Val715Ile). This variant is present in population databases (rs370701686, gnomAD 0.02%). This variant has not been reported in the literature in individuals affected with ITPR1-related conditions. ClinVar contains an entry for this variant (Variation ID: 1256603). Advanced modeling of protein sequence and biophysical properties (such as structural, functional, and spatial information, amino acid conservation, physicochemical variation, residue mobility, and thermodynamic stability) performed at Invitae indicates that this missense variant is not expected to disrupt ITPR1 protein function with a negative predictive value of 95%. In summary, the available evidence is currently insufficient to determine the role of this variant in disease. Therefore, it has been classified as a Variant of Uncertain Significance.

GeneDx
Classification: Uncertain significance. Last evaluated: 2022-06-12. Review status: criteria provided, single submitter. Criteria: GeneDx Variant Classification Process June 2021. Collection method: clinical testing. Allele origin: germline. Affected: yes.
Comment: In silico analysis supports that this missense variant does not alter protein structure/function; Has not been previously published as pathogenic or benign to our knowledge

Revvity Omics, Revvity
Classification: Uncertain significance. Last evaluated: 2021-03-25. Review status: criteria provided, single submitter. Criteria: ACMG Guidelines, 2015. Collection method: clinical testing. Allele origin: germline.

Athena Diagnostics
Classification: Uncertain significance. Last evaluated: 2021-02-05. Review status: criteria provided, single submitter. Criteria: Athena Diagnostics criteria. Collection method: clinical testing. Allele origin: unknown.